The following is an entry in ClinVar:

NM_001378454.1(ALMS1):c.5282A>T (p.His1761Leu)

Gene: ALMS1 (ALMS1 centrosome and basal body associated protein; plus strand). Cytogenetic location: 2p13.1.
Variant type: single nucleotide variant.
Coding change: c.5282A>T on transcript NM_001378454.1 (MANE Select); coding-DNA position 5282, A replaced by T.
Protein change: p.His1761Leu; replaces histidine 1761 with leucine.
Molecular consequence: missense variant.
Genome position (GRCh38, 1-based): chr2:73,451,809, A>T. VCF-style: chr2-73451809-A-T. GRCh37 (hg19) VCF-style: chr2-73678936-A-T.
Other names: c.5285A>T, p.His1762Leu (NM_015120.4); short protein forms H1762L, H1761L.
Identifiers: ClinVar variation 579009 (VCV000579009.9), dbSNP rs760251120, ClinGen allele CA1713856.

ClinVar aggregate classification (germline): Uncertain significance. Review status: criteria provided, multiple submitters, no conflicts (2 of 4 stars). 3 submissions from 3 submitters: Uncertain significance (2). 1 of the submissions does not count toward it. Last evaluated 2024-12-30.

Conditions:
Cardiovascular phenotype. Identifiers: MedGen CN230736.
Alstrom syndrome (ALMS). Identifiers: Orphanet 64, MedGen C0268425, MONDO:0008763, OMIM 203800.

Allele frequency attached by ClinVar (database versions not stated): TOPMed below 0.00001; gnomAD 0.00001.
gnomAD v4.1: 53 of 1,613,940 alleles (0.0033%); highest among the groups gnomAD compares: Non-Finnish European, 0.0044%; no homozygotes.

Submissions (3):

Ambry Genetics
Classification: Uncertain significance for Cardiovascular phenotype. Last evaluated: 2024-12-30. Review status: criteria provided, single submitter. Criteria: Ambry Variant Classification Scheme 2023. Collection method: clinical testing. Allele origin: germline.
Comment: The p.H1762L variant (also known as c.5285A>T), located in coding exon 8 of the ALMS1 gene, results from an A to T substitution at nucleotide position 5285. The histidine at codon 1762 is replaced by leucine, an amino acid with similar properties. This amino acid position is not well conserved in available vertebrate species. In addition, this alteration is predicted to be tolerated by in silico analysis. Based on the available evidence, the clinical significance of this variant remains unclear.

Labcorp Genetics (formerly Invitae), Labcorp
Classification: Uncertain significance for Alstrom syndrome. Last evaluated: 2021-08-26. Review status: criteria provided, single submitter. Criteria: Invitae Variant Classification Sherloc (09022015). Collection method: clinical testing. Allele origin: germline.

Natera, Inc.
Classification: Uncertain significance for Alstrom syndrome. Last evaluated: 2019-10-28. Review status: no assertion criteria provided. Collection method: clinical testing. Allele origin: germline. Not counted in ClinVar's aggregate classification.